The following is an entry in ClinVar:

ClinVar aggregate classification (germline): Uncertain significance (1 of 4 stars; one submission).

Allele frequency attached by ClinVar (database versions not stated): gnomAD 0.00001 and 0.00002; TOPMed 0.00001; 1000 Genomes Project 30x 0.00016.
gnomAD v4.1: 3 of 1,548,272 alleles (0.00019%); highest among the groups gnomAD compares: Admixed American, 0.002%; no homozygotes.

Submission:

Laboratorio de Genetica e Diagnostico Molecular, Hospital Israelita Albert Einstein
Classification: Uncertain significance. Last evaluated: 2021-04-12. Review status: criteria provided, single submitter. Criteria: ACMG Guidelines, 2015. Collection method: clinical testing. Allele origin: germline. Affected: yes.
Comment: ACMG classification criteria: PM2, BP4

NM_014159.7(SETD2):c.866A>G (p.Asp289Gly)

Gene: SETD2 (SET domain containing 2, histone lysine methyltransferase; minus strand). Cytogenetic location: 3p21.31.
Variant type: single nucleotide variant.
Coding change: c.866A>G on transcript NM_014159.7 (MANE Select); coding-DNA position 866, A replaced by G.
Protein change: p.Asp289Gly; replaces aspartic acid 289 with glycine.
Molecular consequence: missense variant. On other transcripts: non-coding transcript variant (1).
Genome position (GRCh38, 1-based): chr3:47,123,770, T>C on the plus strand (A>G on the coding strand, the complement: SETD2 is on the minus strand). VCF-style: chr3-47123770-T-C. GRCh37 (hg19) VCF-style: chr3-47165260-T-C.
Other names: c.734A>G, p.Asp245Gly (NM_001349370.3); short protein forms D245G, D289G.
Identifiers: ClinVar variation 1691026 (VCV001691026.2), dbSNP rs2043207705, ClinGen allele CA352533672.